The following continues an entry in ClinVar:

NM_000257.4(MYH7):c.2608C>T (p.Arg870Cys)

ClinVar aggregate classification (germline): Likely pathogenic. Likely pathogenic (1).

Submissions 7 to 17 of 20:

Color Diagnostics, LLC DBA Color Health
Classification: Likely pathogenic for Cardiomyopathy. Last evaluated: 2025-08-11. Review status: criteria provided, single submitter. Criteria: ACMG Guidelines, 2015. Collection method: clinical testing. Allele origin: germline. Not counted in ClinVar's aggregate classification.
Comment: This missense variant replaces arginine with cysteine at codon 870 in the neck and hinge (S2) domain of the MYH7 protein. Computational prediction suggests that this variant may have a deleterious impact on protein structure and function. This variant is located within a highly conserved region of the myosin head domain. Missense variants in this region have been shown to be significantly overrepresented in individuals with hypertrophic cardiomyopathy (PMID: 27532257). To our knowledge, functional studies have not been reported for this variant. This variant has been reported in over 15 individuals affected with hypertrophic cardiomyopathy (PMID: 10862102, 12975413, 20975235, 22112859, 24621997, 27532257, 28771489, 29907873, 30022097, 32492895, 33407484, 33495596, 33495597, 39237976). It has also been reported in one individual affected with restrictive cardiomyopathy (PMID: 29907873) and in one individual affected with neurally mediated syncope (PMID: 36005429). This variant has been identified in 6/251444 chromosomes in the general population by the Genome Aggregation Database (gnomAD). A different variant affecting the same codon, p.Arg870His, is reported to be disease-causing (ClinVar variation ID: 14120), suggesting that arginine at this position is important for MYH7 protein function. Based on the available evidence, this variant is classified as Likely Pathogenic.

New York Genome Center
Classification: Likely pathogenic for Hypertrophic cardiomyopathy 1. Last evaluated: 2024-02-16. Review status: criteria provided, single submitter. Criteria: NYGC Assertion Criteria 2020. Collection method: clinical testing. Allele origin: inherited. Observed: 2 variant alleles, 2 heterozygotes. Not counted in ClinVar's aggregate classification.
Comment: The c.2608C>T variant in MYH7 has previously been reported in multiple individuals with hypertrophic cardiomyopathy in heterozygous state[PMID:29300372,10862102, 12975413]. This variant has been deposited in ClinVar as Likely Pathogenic [ClinVar ID: 161326] for hypertrophic cardiomyopathy by an expert panel. The c.2608C>T variant is observed in 29 alleles (~0.0017% minor allele frequency with 0 homozygote) in population databases (gnomAD v4.0.0), suggesting it is not a common benign variant in the populations represented in those databases, which might include individuals with non-syndromic late onset cardiac diseases. The c.2608C>T variant in MYH7 is located in exon 22 of this 40-exon gene and predicted to replace an evolutionarily conserved arginine aminoacid with cysteine at position 870 (p.(Arg870Cys)) in the coiled coil domain (839-1935aa; Uniprot ID: P12883) of the encoded protein. In silico predictions are moderately in favor of damaging effect for the p.(Arg870Cys) variant [CADD v.1.6= 27 , REVEL = 0.800]; however, there are no functional studies to support or refute these predictions. Another missense variant affecting the same amino acid residue (c.2609G>A (p.Arg870His)) has been reported in the literature [PMID: 29300372,7796500] and deposited in ClinVar as Pathogenic [ClinVar ID:14120] for hypertrophic cardiomyopathy by an expert panel. Based on available evidence this inherited heterozygous c.2608C>T p.(Arg870Cys) variant identified in MYH7 is classified as Likely Pathogenic.

Institute of Human Genetics Munich, TUM University Hospital
Classification: Pathogenic for Hypertrophic cardiomyopathy 1. Last evaluated: 2023-08-14. Review status: criteria provided, single submitter. Criteria: Classification criteria August 2017. Collection method: clinical testing. Allele origin: germline. Inheritance: Autosomal dominant inheritance. Affected: yes. Observed: 1 variant allele. Not counted in ClinVar's aggregate classification.

Molecular Diagnostic Laboratory for Inherited Cardiovascular Disease, Montreal Heart Institute
Classification: Pathogenic for Cardiovascular phenotype. Last evaluated: 2022-09-29. Review status: criteria provided, single submitter. Criteria: ACMG Guidelines, 2015. Collection method: clinical testing. Allele origin: germline. Affected: yes. Not counted in ClinVar's aggregate classification.

Johns Hopkins Genomics, Johns Hopkins University
Classification: Likely pathogenic for Hypertrophic cardiomyopathy 1. Last evaluated: 2022-09-13. Review status: criteria provided, single submitter. Criteria: ACMG Guidelines, 2015. Collection method: clinical testing. Allele origin: germline. Not counted in ClinVar's aggregate classification.
Comment: This MYH7 variant (rs138049878) is rare (<0.1%) in a large population dataset (gnomAD: 6/251444 total alleles, 0.0024%, no homozygotes) and has been reported in ClinVar. This variant has previously been reported in unrelated individuals with CMH1 and was classified by the ClinGen Inherited Cardiomyopathy Expert Panel. This variant lies in the head region of the protein (aa 181-937) and missense variants in this region are statistically more likely to be associated with CMH1. Additionally, a different pathogenic missense variant, c.2609G>A (p.Arg870His), has been previously identified at this codon which indicates that this residue may be critical to the function of the protein. Two bioinformatic tools queried8 predict that this substitution would be damaging, and the arginine residue at this position is strongly conserved across the vertebrate species assessed. Bioinformatic analysis predicts that this missense variant would not affect normal exon 22 splicing, although this has not been confirmed experimentally to our knowledge. We consider c.2608C>T to be likely pathogenic.

Laboratory for Molecular Medicine, Mass General Brigham Personalized Medicine
Classification: Likely pathogenic for Hypertrophic cardiomyopathy. Last evaluated: 2022-06-30. Review status: criteria provided, single submitter. Criteria: ACMG Guidelines, 2015. Collection method: clinical testing. Allele origin: germline. Not counted in ClinVar's aggregate classification.
Comment: The p.Arg870Cys variant in MYH7 has been reported in at least 10 individuals with HCM (Anan 2000 PMID:10862102; Woo 2003 PMID:12975413; Uchiyama 2009 PMID:19149795; Funada 2010 PMID:20975235; Otsuka 2012 PMID:22112859; Fujita 2013 PMID: 24621997; Wang 2014 PMID:25132132; Mademont-Soler 2017 PMID:28771489; Hayashi 2018 PMID:29907873; Mak 2018 PMID:30022097; Inagaki 2018 PMID:30206291 LMM data) and segregated with disease in at least 2 affected relatives from 2 families (Otsuka 2012, LMM data). This variant has been identified in 6/251444 chromosomes by gnomAD and was classified as likely pathogenic by the ClinGen Inherited Cardiomyopathy Expert Panel on 12/15/16 (Variation ID# 161326). Computational prediction tools and conservation analysis suggest that the p.Arg870Cys variant may impact the protein, and another variant at the same codon (p.Arg870His) is classified as pathogenic variant by our laboratory. In addition, this variant lies in the head region of the protein and missense variants in this region are statistically more likely to be disease-associated (Walsh 2016). In summary, although additional studies are required to fully establish its clinical significance, this variant meets criteria to be classified as likely pathogenic for autosomal dominant HCM. ACMG/AMP Criteria applied: PM1, PM2, PM5, PS4_Moderate, PP3.

Fulgent Genetics
Classification: Likely pathogenic for MYH7-related skeletal myopathy; Myosin storage myopathy; Hypertrophic cardiomyopathy 1; Myopathy, myosin storage, autosomal recessive; Congenital myopathy 4A, autosomal dominant; Dilated cardiomyopathy 1S. Last evaluated: 2021-09-04. Review status: criteria provided, single submitter. Criteria: ACMG Guidelines, 2015. Collection method: clinical testing. Allele origin: unknown. Not counted in ClinVar's aggregate classification.

Women's Health and Genetics/Laboratory Corporation of America, LabCorp
Classification: Pathogenic for Primary familial hypertrophic cardiomyopathy. Last evaluated: 2021-08-09. Review status: criteria provided, single submitter. Criteria: LabCorp Variant Classification Summary - May 2015. Collection method: clinical testing. Allele origin: germline. Not counted in ClinVar's aggregate classification.
Comment: Variant summary: MYH7 c.2608C>T (p.Arg870Cys) results in a non-conservative amino acid change located in the Myosin tail domain (IPR002928) of the encoded protein sequence. Five of five in-silico tools predict a damaging effect of the variant on protein function. The variant allele was found at a frequency of 2.4e-05 in 252156 control chromosomes. This variant occurs in the region enriched for HCM mutations (residues 181-937, Walsh_2017). c.2608C>T has been reported in the literature in multiple individuals affected with Hypertrophic Cardiomyopathy (example, Woo_2003, Anan_2000, Otsuka_2012, Wang_2014, Mak_2018, Inagaki_2018). These data indicate that the variant is very likely to be associated with disease. To our knowledge, no experimental evidence demonstrating an impact on protein function has been reported. Five clinical diagnostic laboratories and one expert panel (ClinGen Inherited Cardiomyopathy Variant Curation Expert Panel) have submitted clinical-significance assessments for this variant to ClinVar after 2014 without evidence for independent evaluation. All submitters classified the variant as pathogenic (n=1)/likely pathogenic (n=5) citing overlapping evidence utilized in the context of this evaluation. Based on the evidence outlined above, the variant was classified as pathogenic.

Blueprint Genetics
Classification: Pathogenic for MYH7-related disorders. Last evaluated: 2021-05-07. Review status: criteria provided, single submitter. Criteria: ACMG Guidelines, 2015. Collection method: clinical testing. Allele origin: germline. Affected: yes. Observed: 2 variant alleles. Not counted in ClinVar's aggregate classification.

Stanford Center for Inherited Cardiovascular Disease, Stanford University
Classification: Likely pathogenic. Last evaluated: 2014-12-23. Review status: criteria provided, single submitter. Criteria: ACMG Guidelines, 2015. Collection method: provider interpretation. Allele origin: germline. Not counted in ClinVar's aggregate classification.

Juno Genomics, Hangzhou Juno Genomics, Inc
Classification: Likely pathogenic for Hypertrophic cardiomyopathy 1. Review status: criteria provided, single submitter. Criteria: ACMG Guidelines, 2015. Collection method: clinical testing. Allele origin: germline. Affected: yes. Not counted in ClinVar's aggregate classification.
Comment: The prevalence of the variant in affected individuals is significantly increased compared to the prevalence in controls.;Novel missense change at an amino acid residue where a different missense change determined to be pathogenic has been seen before.;Multiple lines of computational evidence support a deleterious effect on the gene or gene product (conservation, evolutionary, splicing impact, etc).